The following is an entry in ClinVar:

ClinVar aggregate classification (germline): Pathogenic/Likely pathogenic. Review status: criteria provided, multiple submitters, no conflicts (2 of 4 stars). 8 submissions from 7 submitters: Pathogenic (3); Likely pathogenic (2). 3 of the submissions do not count toward it. Last evaluated 2025-03-14.

Conditions:
USH2A-related disorder. Also called: USH2A-related disorders; USH2A-related condition. Identifiers: MedGen CN239332.
Retinitis pigmentosa 39 (RP39). Identifiers: Orphanet 791, MedGen C3151138, MONDO:0013436, OMIM 613809.
Usher syndrome type 2A. Also called: RETINAL DISEASE IN USHER SYNDROME TYPE IIA, MODIFIER OF; USHER SYNDROME, TYPE IIA. Identifiers: Orphanet 231178, Orphanet 886, MedGen C1848634, MONDO:0010169, OMIM 276901.

Allele frequency attached by ClinVar (database versions not stated): gnomAD exomes below 0.00001 and 0.00001.
gnomAD v4.1: 5 of 1,614,044 alleles (0.00031%); highest among the groups gnomAD compares: Non-Finnish European, 0.00042%; no homozygotes.

Submissions (8):

Natera, Inc.
Classification: Pathogenic for Usher syndrome type 2A. Last evaluated: 2025-03-14. Review status: criteria provided, single submitter. Criteria: Natera Variant Classification Schema (03/2026). Collection method: clinical testing. Allele origin: germline.
Comment: The c.10525A>T variant in USH2A is a nonsense variant predicted to introduce a stop codon at amino acid 3509. This variant is expected to result in nonsense mediated decay, truncation, or a dysfunctional protein product. This variant is rare in the general population with a frequency below the threshold expected for the associated phenotype(s). This variant has been observed in one or more individuals affected with the associated recessive disease, as either homozygous or compound heterozygous with a second variant (PMID: 27318125). Given the available evidence, this variant is classified as Pathogenic.

Genome-Nilou Lab
Classification: Likely pathogenic for Retinitis pigmentosa 39. Last evaluated: 2023-11-04. Review status: criteria provided, single submitter. Criteria: ACMG Guidelines, 2015. Collection method: clinical testing. Allele origin: germline. Affected: no.

Genome-Nilou Lab
Classification: Likely pathogenic for Usher syndrome type 2A. Last evaluated: 2023-11-04. Review status: criteria provided, single submitter. Criteria: ACMG Guidelines, 2015. Collection method: clinical testing. Allele origin: germline. Affected: no.

Labcorp Genetics (formerly Invitae), Labcorp
Classification: Pathogenic. Last evaluated: 2022-08-16. Review status: criteria provided, single submitter. Criteria: Invitae Variant Classification Sherloc (09022015). Collection method: clinical testing. Allele origin: germline.
Comment: This sequence change creates a premature translational stop signal (p.Lys3509*) in the USH2A gene. It is expected to result in an absent or disrupted protein product. Loss-of-function variants in USH2A are known to be pathogenic (PMID: 10729113, 10909849, 20507924, 25649381). This variant is present in population databases (no rsID available, gnomAD 0.0009%). This premature translational stop signal has been observed in individual(s) with USH2A-related conditions (PMID: 22334370, 26927203). ClinVar contains an entry for this variant (Variation ID: 554957). For these reasons, this variant has been classified as Pathogenic.

Blueprint Genetics
Classification: Pathogenic for USH2A-related disorders. Last evaluated: 2021-09-08. Review status: criteria provided, single submitter. Criteria: ACMG Guidelines, 2015. Collection method: clinical testing. Allele origin: germline. Affected: yes. Observed: 4 variant alleles.

Counsyl
Classification: Likely pathogenic for Usher syndrome type 2A; Retinitis pigmentosa 39. Last evaluated: 2017-11-09. Review status: no assertion criteria provided. Collection method: clinical testing. Allele origin: unknown. Not counted in ClinVar's aggregate classification.

Clinical Genetics DNA and cytogenetics Diagnostics Lab, Erasmus MC, Erasmus Medical Center
Classification: Pathogenic. Review status: no assertion criteria provided. Collection method: clinical testing. Allele origin: germline. Affected: yes. Study: VKGL Data-share Consensus. Not counted in ClinVar's aggregate classification.

Clinical Genetics, Academic Medical Center
Classification: Pathogenic. Review status: no assertion criteria provided. Collection method: clinical testing. Allele origin: germline. Affected: yes. Study: VKGL Data-share Consensus. Not counted in ClinVar's aggregate classification.

Literature cited by the submitters: PubMed 27318125 (cited by Natera, Inc.); PubMed 10729113 (cited by Labcorp Genetics (formerly Invitae), Labcorp); PubMed 10909849 (cited by Labcorp Genetics (formerly Invitae), Labcorp); PubMed 20507924 (cited by Labcorp Genetics (formerly Invitae), Labcorp); PubMed 25649381 (cited by Labcorp Genetics (formerly Invitae), Labcorp); PubMed 22334370 (cited by Labcorp Genetics (formerly Invitae), Labcorp); PubMed 26927203 (cited by Labcorp Genetics (formerly Invitae), Labcorp and Counsyl).

NM_206933.4(USH2A):c.10525A>T (p.Lys3509Ter)

Gene: USH2A (usherin; minus strand). Cytogenetic location: 1q41.
Variant type: single nucleotide variant.
Coding change: c.10525A>T on transcript NM_206933.4 (MANE Select); coding-DNA position 10525, A replaced by T.
Protein change: p.Lys3509Ter; replaces lysine 3509 with a stop codon.
Molecular consequence: nonsense.
Genome position (GRCh38, 1-based): chr1:215,782,798, T>A on the plus strand (A>T on the coding strand, the complement: USH2A is on the minus strand). VCF-style: chr1-215782798-T-A. GRCh37 (hg19) VCF-style: chr1-215956140-T-A.
Other names: short protein forms K3509*.
Identifiers: ClinVar variation 554957 (VCV000554957.17), dbSNP rs944675223, ClinGen allele CA37437831.